The following is an entry in ClinVar:

NM_016955.4(SEPSECS):c.760G>A (p.Ala254Thr)

Gene: SEPSECS (Sep (O-phosphoserine) tRNA:Sec (selenocysteine) tRNA synthase; minus strand). Cytogenetic location: 4p15.2.
Variant type: single nucleotide variant.
Coding change: c.760G>A on transcript NM_016955.4 (MANE Select); coding-DNA position 760, G replaced by A.
Protein change: p.Ala254Thr; replaces alanine 254 with threonine.
Molecular consequence: missense variant.
Genome position (GRCh38, 1-based): chr4:25,152,004, C>T on the plus strand (G>A on the coding strand, the complement: SEPSECS is on the minus strand). VCF-style: chr4-25152004-C-T. GRCh37 (hg19) VCF-style: chr4-25153626-C-T.
Other names: short protein forms A254T.
Identifiers: ClinVar variation 1313646 (VCV001313646.3), dbSNP rs748848669, ClinGen allele CA2877359.

ClinVar aggregate classification (germline): Uncertain significance (1 of 4 stars; one submission).

Allele frequency attached by ClinVar (database versions not stated): gnomAD exomes 0.00002 and below 0.00001; gnomAD 0.00003; TOPMed 0.00003; ExAC 0.00001.
gnomAD v4.1: 31 of 1,603,084 alleles (0.0019%); highest among the groups gnomAD compares: Non-Finnish European, 0.0026%; no homozygotes.

Submission:

GeneDx
Classification: Uncertain significance. Last evaluated: 2026-09-12. Review status: criteria provided, single submitter. Criteria: GeneDx Variant Classification Process June 2021. Collection method: clinical testing. Allele origin: germline.
Comment: Not observed at significant frequency in large population cohorts (gnomAD); In silico analysis supports that this missense variant has a deleterious effect on protein structure/function; Has not been previously published as pathogenic or benign to our knowledge